The following is an entry in ClinVar:

ClinVar aggregate classification (germline): Benign. Review status: criteria provided, multiple submitters, no conflicts (2 of 4 stars). 7 submissions from 7 submitters: Benign (7). Last evaluated 2026-02-04.

Conditions:
High myopia-sensorineural deafness syndrome. Also called: Deafness and myopia. Identifiers: Orphanet 363396, MedGen C3806275, MONDO:0009082, OMIM 221200.

Allele frequency attached by ClinVar (database versions not stated): gnomAD exomes 0.71496 and 0.72969; ExAC 0.72103; 1000 Genomes Project 0.75000; TOPMed 0.75217; 1000 Genomes Project 30x 0.75234; gnomAD 0.76338 and 0.76936; ESP Exome Variant Server 0.76610.
gnomAD v4.1: 1,181,124 of 1,612,670 alleles (73%); highest among the groups gnomAD compares: African/African-American, 86%; 435,245 homozygotes.

Submissions (7):

Labcorp Genetics (formerly Invitae), Labcorp
Classification: Benign. Last evaluated: 2026-02-04. Review status: criteria provided, single submitter. Criteria: Invitae Variant Classification Sherloc (09022015). Collection method: clinical testing. Allele origin: germline.

Blueprint Genetics
Classification: Benign. Last evaluated: 2024-11-27. Review status: criteria provided, single submitter. Criteria: ACMG Guidelines, 2015. Collection method: clinical testing. Allele origin: germline.

Genome-Nilou Lab
Classification: Benign for High myopia-sensorineural deafness syndrome. Last evaluated: 2021-07-15. Review status: criteria provided, single submitter. Criteria: ACMG Guidelines, 2015. Collection method: clinical testing. Allele origin: germline. Affected: no.

Mayo Clinic Laboratories, Mayo Clinic
Classification: Benign. Last evaluated: 2020-09-04. Review status: criteria provided, single submitter. Criteria: ACMG Guidelines, 2015. Collection method: clinical testing. Allele origin: germline. Observed: 149 variant alleles.

Laboratory for Molecular Medicine, Mass General Brigham Personalized Medicine
Classification: Benign. Last evaluated: 2017-08-23. Review status: criteria provided, single submitter. Criteria: LMM Criteria. Collection method: clinical testing. Allele origin: germline. Observed: 260 variant alleles.
Comment: p.Leu508Leu in exon 2 of SLITRK6: This variant is not expected to have clinical significance because it does not alter an amino acid residue, is not located wit hin the splice consensus sequence, and has been identified in 86.00% (8425/9796) of African chromosomes by the Exome Aggregation Consortium (ExAC; dbSNP rs3825413).

GeneDx
Classification: Benign. Last evaluated: 2017-05-09. Review status: criteria provided, single submitter. Criteria: GeneDx Variant Classification (06012015). Collection method: clinical testing. Allele origin: germline. Affected: yes.
Comment: This variant is considered likely benign or benign based on one or more of the following criteria: it is a conservative change, it occurs at a poorly conserved position in the protein, it is predicted to be benign by multiple in silico algorithms, and/or has population frequency not consistent with disease.

Breakthrough Genomics
Classification: Benign. Review status: criteria provided, single submitter. Criteria: ACMG Guidelines, 2015. Collection method: not provided. Allele origin: germline. Inheritance: Autosomal recessive inheritance. Affected: yes.

NM_032229.3(SLITRK6):c.1524G>A (p.Leu508=)

Gene: SLITRK6 (SLIT and NTRK like family member 6; minus strand). Cytogenetic location: 13q31.1.
Variant type: single nucleotide variant.
Coding change: c.1524G>A on transcript NM_032229.3 (MANE Select); coding-DNA position 1524, G replaced by A.
Protein change: p.Leu508=; no amino-acid change (leucine 508 retained).
Molecular consequence: synonymous variant.
Genome position (GRCh38, 1-based): chr13:85,794,985, C>T on the plus strand (G>A on the coding strand, the complement: SLITRK6 is on the minus strand). VCF-style: chr13-85794985-C-T. GRCh37 (hg19) VCF-style: chr13-86369120-C-T.
Other names: p.Leu508=.
Identifiers: ClinVar variation 506089 (VCV000506089.18), dbSNP rs3825413, ClinGen allele CA7015084.